The following is an entry in ClinVar:

ClinVar aggregate classification (germline): Likely pathogenic (1 of 4 stars; one submission).

Allele frequency attached by ClinVar (database versions not stated): gnomAD exomes 0.00001.

Submission:

CeGaT Center for Human Genetics Tuebingen
Classification: Likely pathogenic. Last evaluated: 2023-03-01. Review status: criteria provided, single submitter. Criteria: CeGaT Center For Human Genetics Tuebingen Variant Classification Criteria Version 2. Collection method: clinical testing. Allele origin: germline. Affected: yes. Observed: 2 variant alleles.
Comment: HPDL: PVS1:Strong, PM2

NM_032756.4(HPDL):c.852del (p.Ala286fs)

Genes: HPDL (4-hydroxyphenylpyruvate dioxygenase like; plus strand), LOC129930440 (ATAC-STARR-seq lymphoblastoid active region 965; plus strand). Cytogenetic location: 1p34.1.
Variant type: Deletion.
Coding change: c.852del on transcript NM_032756.4 (MANE Select); coding-DNA position 852, one base deleted (T; older notation c.852delT).
Protein change: p.Ala286fs; shifts the reading frame from alanine 286.
Molecular consequence: frameshift variant.
Genome position (GRCh38, 1-based): chr1:45,328,000, T deleted. VCF-style (leftmost placement, unchanged base first): chr1-45327999-CT-C. GRCh37 (hg19) VCF-style: chr1-45793671-CT-C.
Other names: short protein forms A286fs.
Identifiers: ClinVar variation 2498404 (VCV002498404.28), dbSNP rs1373689003, ClinGen allele CA522810517.
Genomic context (GRCh38, chr1:45,327,999, plus strand): 5'-CTAACATTGTGGAGGCCACTGAGGGGGTGGCAACTGCTGGAGGCCAGTTCCTGGCTCCCC[CT>C]GGGGCATACTACCAGCAGCCAGGAAAGGAGAGGCAGATCCGAGCTGCAGGGCACGAGCCT-3'